The following is an entry in ClinVar:

ClinVar aggregate classification (germline): Uncertain significance. Review status: criteria provided, multiple submitters, no conflicts (2 of 4 stars). 3 submissions from 3 submitters: Uncertain significance (3). Last evaluated 2022-12-28.

Conditions:
Joubert syndrome 24 (JBTS24). Identifiers: Orphanet 475, MedGen C4084841, MONDO:0014724, OMIM 616654.
Meckel syndrome, type 8. Identifiers: Orphanet 564, MedGen C3836857, MONDO:0013482, OMIM 613885.
Joubert syndrome. Also called: CEREBELLOPARENCHYMAL DISORDER IV; JOUBERT-BOLTSHAUSER SYNDROME; Familial aplasia of the vermis. Identifiers: Orphanet 475, MedGen C5979921, MONDO:0018772.
Meckel-Gruber syndrome. Also called: DYSENCEPHALIA SPLANCHNOCYSTICA; GRUBER SYNDROME; Dysencephalia splachnocystica. Identifiers: Orphanet 564, MedGen C0265215, MONDO:0018921.
Inborn genetic diseases. Identifiers: MedGen C0950123, MeSH D030342.

Allele frequency attached by ClinVar (database versions not stated): gnomAD exomes below 0.00001; gnomAD 0.00001; TOPMed 0.00001.
gnomAD v4.1: 6 of 1,613,946 alleles (0.00037%); highest among the groups gnomAD compares: East Asian, 0.0022%; no homozygotes.

Submissions (3):

Labcorp Genetics (formerly Invitae), Labcorp
Classification: Uncertain significance for Joubert syndrome; Meckel-Gruber syndrome. Last evaluated: 2022-12-28. Review status: criteria provided, single submitter. Criteria: Invitae Variant Classification Sherloc (09022015). Collection method: clinical testing. Allele origin: germline.
Comment: This sequence change replaces valine, which is neutral and non-polar, with methionine, which is neutral and non-polar, at codon 164 of the TCTN2 protein (p.Val164Met). In summary, the available evidence is currently insufficient to determine the role of this variant in disease. Therefore, it has been classified as a Variant of Uncertain Significance. Advanced modeling of protein sequence and biophysical properties (such as structural, functional, and spatial information, amino acid conservation, physicochemical variation, residue mobility, and thermodynamic stability) performed at Invitae indicates that this missense variant is expected to disrupt TCTN2 protein function. ClinVar contains an entry for this variant (Variation ID: 1365809). This variant has not been reported in the literature in individuals affected with TCTN2-related conditions. This variant is present in population databases (rs776834352, gnomAD 0.005%).

Ambry Genetics
Classification: Uncertain significance for Inborn genetic diseases. Last evaluated: 2022-06-24. Review status: criteria provided, single submitter. Criteria: Ambry Variant Classification Scheme 2023. Collection method: clinical testing. Allele origin: germline.

Department of Pathology and Laboratory Medicine, Sinai Health System
Classification: Uncertain significance for Meckel syndrome, type 8; Joubert syndrome 24. Last evaluated: 2021-07-30. Review status: criteria provided, single submitter. Criteria: ACMG Guidelines, 2015. Collection method: research. Allele origin: germline.

NM_024809.5(TCTN2):c.490G>A (p.Val164Met)

Gene: TCTN2 (tectonic family member 2; plus strand). Cytogenetic location: 12q24.31.
Variant type: single nucleotide variant.
Coding change: c.490G>A on transcript NM_024809.5 (MANE Select); coding-DNA position 490, G replaced by A.
Protein change: p.Val164Met; replaces valine 164 with methionine.
Molecular consequence: missense variant.
Genome position (GRCh38, 1-based): chr12:123,679,215, G>A. VCF-style: chr12-123679215-G-A. GRCh37 (hg19) VCF-style: chr12-124163762-G-A.
Other names: c.487G>A, p.Val163Met (NM_001143850.3); c.490G>A (NM_024809.3); short protein forms V163M, V164M.
Identifiers: ClinVar variation 1365809 (VCV001365809.9), dbSNP rs776834352, ClinGen allele CA245189351.